The following is an entry in ClinVar:

NM_000302.4(PLOD1):c.1516C>T (p.Leu506Phe)

Gene: PLOD1 (procollagen-lysine,2-oxoglutarate 5-dioxygenase 1; plus strand). Cytogenetic location: 1p36.22.
Variant type: single nucleotide variant.
Coding change: c.1516C>T on transcript NM_000302.4 (MANE Select); coding-DNA position 1516, C replaced by T.
Protein change: p.Leu506Phe; replaces leucine 506 with phenylalanine.
Molecular consequence: missense variant.
Genome position (GRCh38, 1-based): chr1:11,965,525, C>T. VCF-style: chr1-11965525-C-T. GRCh37 (hg19) VCF-style: chr1-12025582-C-T.
Other names: c.1657C>T, p.Leu553Phe (NM_001316320.2); short protein forms L506F, L553F.
Identifiers: ClinVar variation 1205941 (VCV001205941.11), dbSNP rs1374717198, ClinGen allele CA338444700.

ClinVar aggregate classification (germline): Uncertain significance. Review status: criteria provided, multiple submitters, no conflicts (2 of 4 stars). 5 submissions from 5 submitters: Uncertain significance (3). 2 of the submissions do not count toward it. Last evaluated 2024-07-09.

Conditions:
Ehlers-Danlos syndrome, kyphoscoliotic type 1 (EDSKSCL1). Also called: EHLERS-DANLOS SYNDROME, OCULAR-SCOLIOTIC TYPE; EHLERS-DANLOS SYNDROME, TYPE VIA; Ehlers-Danlos syndrome, hydroxylysine-deficient; PLOD1-Related Kyphoscoliotic Ehlers-Danlos Syndrome. Identifiers: Orphanet 1900, MedGen C0268342, MONDO:0016002, OMIM 225400. Disease mechanism: loss of function.
Familial thoracic aortic aneurysm and aortic dissection (TAAD). Also called: Thoracic aortic aneurysms and dissections. Identifiers: Orphanet 91387, MedGen C4707243, MONDO:0019625.

Allele frequency attached by ClinVar (database versions not stated): TOPMed below 0.00001; gnomAD 0.00001; gnomAD exomes 0.00001.
gnomAD v4.1: 15 of 1,613,684 alleles (0.00093%); highest among the groups gnomAD compares: Non-Finnish European, 0.0013%; no homozygotes.

Submissions (5):

Ambry Genetics
Classification: Uncertain significance for Familial thoracic aortic aneurysm and aortic dissection. Last evaluated: 2024-07-09. Review status: criteria provided, single submitter. Criteria: Ambry Variant Classification Scheme 2023. Collection method: clinical testing. Allele origin: germline.

Labcorp Genetics (formerly Invitae), Labcorp
Classification: Uncertain significance for Ehlers-Danlos syndrome, kyphoscoliotic type 1. Last evaluated: 2021-08-13. Review status: criteria provided, single submitter. Criteria: Invitae Variant Classification Sherloc (09022015). Collection method: clinical testing. Allele origin: germline.
Comment: This sequence change replaces leucine with phenylalanine at codon 506 of the PLOD1 protein (p.Leu506Phe). The leucine residue is highly conserved and there is a small physicochemical difference between leucine and phenylalanine. This variant is not present in population databases (ExAC no frequency). This variant has not been reported in the literature in individuals affected with PLOD1-related conditions. Algorithms developed to predict the effect of missense changes on protein structure and function are either unavailable or do not agree on the potential impact of this missense change (SIFT: "Deleterious"; PolyPhen-2: "Possibly Damaging"; Align-GVGD: "Class C0"). In summary, the available evidence is currently insufficient to determine the role of this variant in disease. Therefore, it has been classified as a Variant of Uncertain Significance.

GeneDx
Classification: Uncertain significance. Last evaluated: 2019-09-06. Review status: criteria provided, single submitter. Criteria: GeneDx Variant Classification Process June 2021. Collection method: clinical testing. Allele origin: germline. Affected: yes.
Comment: Not observed at a significant frequency in large population cohorts (Lek et al., 2016); In silico analysis, which includes protein predictors and evolutionary conservation, supports a deleterious effect; Has not been previously published as pathogenic or benign to our knowledge

Clinical Genetics DNA and cytogenetics Diagnostics Lab, Erasmus MC, Erasmus Medical Center
Classification: Uncertain significance. Review status: no assertion criteria provided. Collection method: clinical testing. Allele origin: germline. Affected: yes. Study: VKGL Data-share Consensus. Not counted in ClinVar's aggregate classification.

Laboratory of Diagnostic Genome Analysis, Leiden University Medical Center (LUMC)
Classification: Uncertain significance. Review status: no assertion criteria provided. Collection method: clinical testing. Allele origin: germline. Affected: yes. Study: VKGL Data-share Consensus. Not counted in ClinVar's aggregate classification.